The following is an entry in ClinVar:

ClinVar aggregate classification (germline): Pathogenic (0 of 4 stars; one submission).

Conditions:
Marfan syndrome (MFS). Also called: MARFAN SYNDROME, TYPE I; Marfan syndrome type 1; Marfan's syndrome; FBN1-Related Marfan Syndrome; Marfan syndrome, classic. Identifiers: Orphanet 284963, Orphanet 558, MedGen C0024796, MONDO:0007947, OMIM 154700.

Submission:

Department of Laboratory Medicine and Genetics, Samsung Medical Center
Classification: Pathogenic for Marfan syndrome. Last evaluated: 2025-01-02. Review status: no assertion criteria provided. Collection method: clinical testing. Allele origin: germline. Affected: yes.
Comment: The NM_000138.5:c.3892A>C is considered to be rare in the general population database (gnomAD v2.1.1). This variant is predicted to be deleterious by in-silico analysis (REVEL). According to the ClinGen guidance for PP1/BS4 and PP4 criteria (PMID: 38103548), PP4 with weighted strength was applied. In summary, this variant was classified as a pathogenic variant for Marfan syndrome (PM1, PP2, PP3, PP4 with weighted strength, PM2_P).

Literature cited by the submitters: PubMed 37558401.

NM_000138.5(FBN1):c.3892A>C (p.Asn1298His)

Gene: FBN1 (fibrillin 1; minus strand). Cytogenetic location: 15q21.1.
Variant type: single nucleotide variant.
Coding change: c.3892A>C on transcript NM_000138.5 (MANE Select); coding-DNA position 3892, A replaced by C.
Protein change: p.Asn1298His; replaces asparagine 1298 with histidine.
Molecular consequence: missense variant.
Genome position (GRCh38, 1-based): chr15:48,481,727, T>G on the plus strand (A>C on the coding strand, the complement: FBN1 is on the minus strand). VCF-style: chr15-48481727-T-G. GRCh37 (hg19) VCF-style: chr15-48773924-T-G.
Other names: c.3892A>C, p.Asn1298His (NM_001406716.1); short protein forms N1298H.
Identifiers: ClinVar variation 3600238 (VCV003600238.1).